The following is an entry in ClinVar:

ClinVar aggregate classification (germline): Uncertain significance. Review status: criteria provided, multiple submitters, no conflicts (2 of 4 stars). 3 submissions from 3 submitters: Uncertain significance (3). Last evaluated 2025-10-31.

Conditions:
RYR1-related disorder. Also called: RYR1-related disorders; RYR1-related condition. Identifiers: MedGen CN239331.

Submissions (3):

Labcorp Genetics (formerly Invitae), Labcorp
Classification: Uncertain significance for RYR1-related disorder. Last evaluated: 2025-10-31. Review status: criteria provided, single submitter. Criteria: Invitae Variant Classification Sherloc (09022015). Collection method: clinical testing. Allele origin: germline.
Comment: This variant, c.12869_12874del, results in the deletion of 2 amino acid(s) of the RYR1 protein (p.Ala4290_Ala4291del), but otherwise preserves the integrity of the reading frame. This variant is present in population databases (no rsID available, gnomAD 0.007%). This variant has not been reported in the literature in individuals affected with RYR1-related conditions. Experimental studies and prediction algorithms are not available or were not evaluated, and the functional significance of this variant is currently unknown. In summary, the available evidence is currently insufficient to determine the role of this variant in disease. Therefore, it has been classified as a Variant of Uncertain Significance.

Revvity Omics, Revvity
Classification: Uncertain significance. Last evaluated: 2021-07-22. Review status: criteria provided, single submitter. Criteria: ACMG Guidelines, 2015. Collection method: clinical testing. Allele origin: germline.

CeGaT Center for Human Genetics Tuebingen
Classification: Uncertain significance. Last evaluated: 2018-04-01. Review status: criteria provided, single submitter. Criteria: CeGaT Center For Human Genetics Tuebingen Variant Classification Criteria Version 2. Collection method: clinical testing. Allele origin: germline. Affected: yes. Observed: 1 variant allele.

NM_000540.3(RYR1):c.12863CGG[2] (p.Ala4290_Ala4291del)

Gene: RYR1 (ryanodine receptor 1; plus strand). Cytogenetic location: 19q13.2.
Variant type: Microsatellite.
Coding change: c.12863CGG[2] on transcript NM_000540.3 (MANE Select); two copies in a row of the 3-base unit CGG starting at c.12863; the reference has four copies in a row; two copies, 6 bases deleted; also written c.12869_12874del.
Protein change: p.Ala4290_Ala4291del.
Molecular consequence: inframe deletion.
Genome position (GRCh38, 1-based): chr19:38,565,203-38,565,208, CGGCGG deleted; deleting any 6 consecutive bases within chr19:38,565,197-38,565,208 gives the same sequence; the position shown is the placement nearest the transcript's 3' end. VCF-style (leftmost placement, unchanged base first): chr19-38565196-ACGGCGG-A. GRCh37 (hg19) VCF-style: chr19-39055836-ACGGCGG-A.
Other names: c.12848CGG[2], p.Ala4285_Ala4286del (NM_001042723.2); c.12869_12874del (NM_000540.3).
Identifiers: ClinVar variation 623948 (VCV000623948.48), dbSNP rs1228854800, ClinGen allele CA633066822.
Genomic context (GRCh38, chr19:38,565,196, plus strand): 5'-GCGGAGGCGGGCGCGGAAGGCGCGGAGGAGGGCGCGGCGGGGCTCGAGGGCACGGCGGCC[ACGGCGG>A]CGGCGGGGGCGACGGCGCGGGTTGTGGCGGCCGCAGGCCGGGCCCTGCGAGGCCTCAGCT-3'